The following is an entry in ClinVar:

NM_001127649.3(PEX26):c.388A>C (p.Lys130Gln)

Gene: PEX26 (peroxisomal biogenesis factor 26; plus strand). Cytogenetic location: 22q11.21.
Variant type: single nucleotide variant.
Coding change: c.388A>C on transcript NM_001127649.3 (MANE Select); coding-DNA position 388, A replaced by C.
Protein change: p.Lys130Gln; replaces lysine 130 with glutamine.
Molecular consequence: missense variant.
Genome position (GRCh38, 1-based): chr22:18,083,453, A>C. VCF-style: chr22-18083453-A-C. GRCh37 (hg19) VCF-style: chr22-18566219-A-C.
Other names: c.388A>C, p.Lys130Gln (NM_001199319.2, NM_017929.6); short protein forms K130Q.
Identifiers: ClinVar variation 1415251 (VCV001415251.5), dbSNP rs2123654132, ClinGen allele CA410267127.

ClinVar aggregate classification (germline): Uncertain significance (1 of 4 stars; one submission).

Conditions:
Peroxisome biogenesis disorder 7A (Zellweger). Also called: Peroxisome biogenesis disorder 7A. Identifiers: Orphanet 912, MedGen C3888385, MONDO:0013938, OMIM 614872.
Peroxisome biogenesis disorder 7B (PBD7B). Identifiers: Orphanet 44, MedGen C3553951, MONDO:0013939, OMIM 614873.

Submission:

Labcorp Genetics (formerly Invitae), Labcorp
Classification: Uncertain significance for Peroxisome biogenesis disorder 7A (Zellweger); Peroxisome biogenesis disorder 7B. Last evaluated: 2024-10-26. Review status: criteria provided, single submitter. Criteria: Invitae Variant Classification Sherloc (09022015). Collection method: clinical testing. Allele origin: germline.
Comment: This sequence change replaces lysine, which is basic and polar, with glutamine, which is neutral and polar, at codon 130 of the PEX26 protein (p.Lys130Gln). This variant is not present in population databases (gnomAD no frequency). This variant has not been reported in the literature in individuals affected with PEX26-related conditions. ClinVar contains an entry for this variant (Variation ID: 1415251). Invitae Evidence Modeling of protein sequence and biophysical properties (such as structural, functional, and spatial information, amino acid conservation, physicochemical variation, residue mobility, and thermodynamic stability) has been performed for this missense variant. However, the output from this modeling did not meet the statistical confidence thresholds required to predict the impact of this variant on PEX26 protein function. In summary, the available evidence is currently insufficient to determine the role of this variant in disease. Therefore, it has been classified as a Variant of Uncertain Significance.